The following is an entry in ClinVar:

ClinVar aggregate classification (germline): Uncertain significance (1 of 4 stars; one submission).

Allele frequency attached by ClinVar (database versions not stated): TOPMed 0.00001; gnomAD 0.00003.
gnomAD v4.1: 24 of 1,583,130 alleles (0.0015%); highest among the groups gnomAD compares: Non-Finnish European, 0.0021%; no homozygotes.

Submission:

Labcorp Genetics (formerly Invitae), Labcorp
Classification: Uncertain significance. Last evaluated: 2023-01-19. Review status: criteria provided, single submitter. Criteria: Invitae Variant Classification Sherloc (09022015). Collection method: clinical testing. Allele origin: germline.
Comment: This sequence change falls in intron 3 of the MICAL1 gene. It does not directly change the encoded amino acid sequence of the MICAL1 protein. This variant is present in population databases (no rsID available, gnomAD 0.004%). This variant has not been reported in the literature in individuals affected with MICAL1-related conditions. Algorithms developed to predict the effect of sequence changes on RNA splicing suggest that this variant may disrupt the consensus splice site. In summary, the available evidence is currently insufficient to determine the role of this variant in disease. Therefore, it has been classified as a Variant of Uncertain Significance.

NM_022765.4(MICAL1):c.466+12G>T

Gene: MICAL1 (microtubule associated monooxygenase, calponin and LIM domain containing 1; minus strand). Cytogenetic location: 6q21.
Variant type: single nucleotide variant.
Coding change: c.466+12G>T on transcript NM_022765.4 (MANE Select); 12 bases into the intron after coding-DNA position 466, G replaced by T.
Molecular consequence: intron variant.
Genome position (GRCh38, 1-based): chr6:109,453,626, C>A on the plus strand (G>T on the coding strand, the complement: MICAL1 is on the minus strand). VCF-style: chr6-109453626-C-A. GRCh37 (hg19) VCF-style: chr6-109774829-C-A.
Other names: c.523+12G>T (NM_001286613.2); c.466+12G>T (NM_001159291.2).
Identifiers: ClinVar variation 2982861 (VCV002982861.3), dbSNP rs761260749, ClinGen allele CA569582422.
Genomic context (GRCh38, chr6:109,453,626, plus strand): 5'-CCAGCATTTCCCCACTGGCCTGCCTCTAGGCCCAAGCTCACCCGCCCCTCCAGGCCACCA[C>A]GTGGTGCTCACTGATGTGGTCCAGGGTGCCGGTGCAGAAGCGCCCGTAGAACTTCTTAGC-3'